The following is an entry in ClinVar:

ClinVar aggregate classification (germline): Benign/Likely benign. Review status: criteria provided, multiple submitters, no conflicts (2 of 4 stars). 17 submissions from 14 submitters: Benign (10); Likely benign (5). 2 of the submissions do not count toward it. Last evaluated 2026-02-01.

Conditions:
Cardiovascular phenotype. Identifiers: MedGen CN230736.
Autosomal recessive limb-girdle muscular dystrophy type 2J (LGMDR10). Also called: Limb-girdle muscular dystrophy, type 2J; MUSCULAR DYSTROPHY, LIMB-GIRDLE, AUTOSOMAL RECESSIVE 10. Identifiers: Orphanet 140922, MedGen C1837342, MONDO:0012127, OMIM 608807.
Dilated cardiomyopathy 1G (CMD1G). Identifiers: Orphanet 154, MedGen C1858763, MONDO:0011400, OMIM 604145.
Cardiomyopathy (CMYO). Also called: Cardiomyopathies. Identifiers: Orphanet 167848, MedGen C0878544, MONDO:0004994, HP:0001638. Inheritance: Various modes of inheritance.
Early-onset myopathy with fatal cardiomyopathy (CMYO5). Also called: Salih Myopathy; CONGENITAL MYOPATHY 5 WITH CARDIOMYOPATHY. Identifiers: Orphanet 289377, MedGen C2673677, MONDO:0012714, OMIM 611705. Disease mechanism: loss of function.
Tibial muscular dystrophy (TMD). Also called: Udd Distal Myopathy – Tibial Muscular Dystrophy; UDD MYOPATHY; Tibial muscular dystrophy, tardive. Identifiers: Orphanet 609, MedGen C1838244, MONDO:0010870, OMIM 600334.
Myopathy, myofibrillar, 9, with early respiratory failure (MFM9). Also called: Hereditary myopathy with early respiratory failure; EDSTROM MYOPATHY; MYOPATHY, PROXIMAL, WITH EARLY RESPIRATORY MUSCLE INVOLVEMENT; Myopathy, distal, with early respiratory failure, autosomal dominant. Identifiers: Orphanet 178464, Orphanet 34521, MedGen C1863599, MONDO:0011362, OMIM 603689.

Allele frequency attached by ClinVar (database versions not stated): ESP Exome Variant Server 0.00043; ExAC 0.00058; gnomAD 0.00076 and 0.00078; TOPMed 0.00077; 1000 Genomes Project 30x 0.00094; 1000 Genomes Project 0.00100.
gnomAD v4.1: 199 of 1,473,106 alleles (0.014%); highest among the groups gnomAD compares: African/African-American, 0.26%; 1 homozygote.

Submissions (19):

Labcorp Genetics (formerly Invitae), Labcorp
Classification: Likely benign for Dilated cardiomyopathy 1G; Autosomal recessive limb-girdle muscular dystrophy type 2J. Last evaluated: 2026-02-01. Review status: criteria provided, single submitter. Criteria: Invitae Variant Classification Sherloc (09022015). Collection method: clinical testing. Allele origin: germline.

Molecular Diagnostic Laboratory for Inherited Cardiovascular Disease, Montreal Heart Institute
Classification: Benign. Last evaluated: 2025-04-09. Review status: criteria provided, single submitter. Criteria: ACMG Guidelines, 2015. Collection method: clinical testing. Allele origin: germline. Affected: no.

Blueprint Genetics
Classification: Likely benign. Last evaluated: 2024-09-11. Review status: criteria provided, single submitter. Criteria: ACMG Guidelines, 2015. Collection method: clinical testing. Allele origin: germline.

ARUP Laboratories, Molecular Genetics and Genomics, ARUP Laboratories
Classification: Likely benign. Last evaluated: 2024-05-15. Review status: criteria provided, single submitter. Criteria: ARUP Molecular Germline Variant Investigation Process 2024. Collection method: clinical testing. Allele origin: germline.

CHEO Genetics Diagnostic Laboratory, Children's Hospital of Eastern Ontario
Classification: Benign for Cardiomyopathy. Last evaluated: 2023-05-16. Review status: criteria provided, single submitter. Criteria: ACMG Guidelines, 2015. Collection method: clinical testing. Allele origin: germline.

Women's Health and Genetics/Laboratory Corporation of America, LabCorp
Classification: Benign. Last evaluated: 2022-06-16. Review status: criteria provided, single submitter. Criteria: LabCorp Variant Classification Summary - May 2015. Collection method: clinical testing. Allele origin: germline.
Comment: Variant summary: TTN c.47108-5A>G alters a conserved nucleotide located close to a canonical splice site and therefore could affect mRNA splicing, leading to a significantly altered protein sequence. 4/4 computational tools predict no significant impact on normal splicing. However, these predictions have yet to be confirmed by functional studies. The variant allele was found at a frequency of 0.00024 in 98144 control chromosomes, predominantly at a frequency of 0.0033 within the African or African-American subpopulation in the gnomAD database, including 1 homozygotes. The observed variant frequency within African or African-American control individuals in the gnomAD database is approximately 8 fold of the estimated maximal expected allele frequency for a pathogenic variant in TTN causing Dilated Cardiomyopathy phenotype (0.00039), strongly suggesting that the variant is a benign polymorphism found primarily in populations of African or African-American origin. To our knowledge, no occurrence of c.47108-5A>G in individuals affected with Dilated Cardiomyopathy and no experimental evidence demonstrating its impact on protein function have been reported. Six clinical diagnostic laboratories have submitted clinical-significance assessments for this variant to ClinVar after 2014 without evidence for independent evaluation. All laboratories classified the variant as benign/likely benign. Based on the evidence outlined above, the variant was classified as benign.

Genome-Nilou Lab
Classification: Benign for Autosomal recessive limb-girdle muscular dystrophy type 2J. Last evaluated: 2021-09-10. Review status: criteria provided, single submitter. Criteria: ACMG Guidelines, 2015. Collection method: clinical testing. Allele origin: germline. Affected: no.

Genome-Nilou Lab
Classification: Benign for Myopathy, myofibrillar, 9, with early respiratory failure. Last evaluated: 2021-09-10. Review status: criteria provided, single submitter. Criteria: ACMG Guidelines, 2015. Collection method: clinical testing. Allele origin: germline. Affected: no.

Genome-Nilou Lab
Classification: Benign for Early-onset myopathy with fatal cardiomyopathy. Last evaluated: 2021-09-10. Review status: criteria provided, single submitter. Criteria: ACMG Guidelines, 2015. Collection method: clinical testing. Allele origin: germline. Affected: no.

Genome-Nilou Lab
Classification: Benign for Tibial muscular dystrophy. Last evaluated: 2021-09-10. Review status: criteria provided, single submitter. Criteria: ACMG Guidelines, 2015. Collection method: clinical testing. Allele origin: germline. Affected: no.

Ambry Genetics
Classification: Benign for Cardiovascular phenotype. Last evaluated: 2019-05-15. Review status: criteria provided, single submitter. Criteria: Ambry Variant Classification Scheme 2023. Collection method: clinical testing. Allele origin: germline.

Athena Diagnostics
Classification: Benign. Last evaluated: 2018-03-19. Review status: criteria provided, single submitter. Criteria: Athena Diagnostics Criteria. Collection method: clinical testing. Allele origin: germline.

Eurofins Ntd Llc (ga)
Classification: Likely benign. Last evaluated: 2017-01-16. Review status: criteria provided, single submitter. Criteria: EGL Classification Definitions 2015. Collection method: clinical testing. Allele origin: germline. Observed: 5 variant alleles, 5 heterozygotes.

Laboratory for Molecular Medicine, Mass General Brigham Personalized Medicine
Classification: Likely benign. Last evaluated: 2015-04-28. Review status: criteria provided, single submitter. Criteria: LMM Criteria. Collection method: clinical testing. Allele origin: germline. Observed: 2 variant alleles.
Comment: c.47108-5A>G in intron 231 of TTN: This variant is not expected to have clinical significance because it has been identified in 0.45% (11/2470) African chromoso mes by the Exome Aggregation Consortium (dbSNP r s375343798).

GeneDx
Classification: Benign. Last evaluated: 2014-09-15. Review status: criteria provided, single submitter. Criteria: GeneDx Variant Classification (06012015). Collection method: clinical testing. Allele origin: germline. Affected: yes.
Comment: This variant is considered likely benign or benign based on one or more of the following criteria: it is a conservative change, it occurs at a poorly conserved position in the protein, it is predicted to be benign by multiple in silico algorithms, and/or has population frequency not consistent with disease.

Clinical Genetics, Academic Medical Center
Classification: Benign. Review status: no assertion criteria provided. Collection method: clinical testing. Allele origin: germline. Affected: yes. Study: VKGL Data-share Consensus. Not counted in ClinVar's aggregate classification.

Diagnostic Laboratory, Department of Genetics, University Medical Center Groningen
Classification: Likely benign. Review status: no assertion criteria provided. Collection method: clinical testing. Allele origin: germline. Affected: yes. Study: VKGL Data-share Consensus. Not counted in ClinVar's aggregate classification.

Dr. Peter K. Rogan Lab, Western University
No classification provided (evidence only). Condition: Ovarian serous cystadenocarcinoma. Review status: no classification provided. Collection method: in vitro. Allele origin: not applicable. Functional consequence: retained intron. Not counted in ClinVar's aggregate classification.

Dr. Peter K. Rogan Lab, Western University
No classification provided (evidence only). Condition: Uterine carcinosarcoma. Review status: no classification provided. Collection method: in vitro. Allele origin: not applicable. Functional consequence: retained intron. Not counted in ClinVar's aggregate classification.

NM_001267550.2(TTN):c.54812-5A>G

Genes: TTN-AS1 (TTN antisense RNA 1; plus strand), TTN (titin; minus strand). Cytogenetic location: 2q31.2.
Variant type: single nucleotide variant.
Coding change: c.54812-5A>G on transcript NM_001267550.2 (MANE Select); 5 bases into the intron before coding-DNA position 54812, A replaced by G.
Molecular consequence: intron variant.
Genome position (GRCh38, 1-based): chr2:178,602,595, T>C on the plus strand (A>G on the coding strand, the complement: TTN is on the minus strand). VCF-style: chr2-178602595-T-C. GRCh37 (hg19) VCF-style: chr2-179467322-T-C.
Other names: c.27617-5A>G (NM_003319.4); c.28193-5A>G (NM_133437.4); c.27992-5A>G (NM_133432.3); c.47108-5A>G (NM_133378.4); c.49889-5A>G (NM_001256850.1).
Identifiers: ClinVar variation 165974 (VCV000165974.39), dbSNP rs375343798, ClinGen allele CA211120.
Genomic context (GRCh38, chr2:178,602,595, plus strand): 5'-GATGCTTGACTTCGTTTTATCTTTAACTTCTGGGCAAGAAGGTGGCCCCGGTGGAACTAA[T>C]AACAAAAGAAAAAAAAAAGCTTCATCAGATTTTGAAGCTGATGAAGTGCTGGAGTCTTTT-3'